The following is an entry in ClinVar:

NM_001849.4(COL6A2):c.1336G>A (p.Asp446Asn)

Gene: COL6A2 (collagen type VI alpha 2 chain; plus strand). Cytogenetic location: 21q22.3.
Variant type: single nucleotide variant.
Coding change: c.1336G>A on transcript NM_001849.4 (MANE Select); coding-DNA position 1336, G replaced by A.
Protein change: p.Asp446Asn; replaces aspartic acid 446 with asparagine.
Molecular consequence: missense variant.
Genome position (GRCh38, 1-based): chr21:46,120,518, G>A. VCF-style: chr21-46120518-G-A. GRCh37 (hg19) VCF-style: chr21-47540432-G-A.
Other names: c.1336G>A, p.Asp446Asn (NM_058174.3, NM_058175.3); short protein forms D446N.
Identifiers: ClinVar variation 194621 (VCV000194621.48), dbSNP rs535007570, ClinGen allele CA240700.

ClinVar aggregate classification (germline): Conflicting classifications of pathogenicity. Review status: criteria provided, conflicting classifications (1 of 4 stars). 14 submissions from 14 submitters: Uncertain significance (7); Benign (1); Likely benign (4). 2 of the submissions do not count toward it. Last evaluated 2026-09-01.

Conditions:
COL6A2-related disorder.
Collagen 6-related myopathy. Identifiers: MedGen CN117976, MONDO:0100225.
Bethlem myopathy 1A. Also called: Bethlem Muscular Dystrophy; MYOPATHY, BENIGN CONGENITAL, WITH CONTRACTURES; Bethlem myopathy 1. Identifiers: Orphanet 610, MedGen CN029274, MONDO:0024530, OMIM 158810.
Ullrich congenital muscular dystrophy 1A. Also called: Intermediate COL6-RD; Ullrich congenital muscular dystrophy 1. Identifiers: Orphanet 75840, MedGen C0410179, MONDO:0009681, OMIM 254090.
Inborn genetic diseases. Identifiers: MedGen C0950123, MeSH D030342.

Allele frequency attached by ClinVar (database versions not stated): TOPMed 0.00053.
gnomAD v4.1: 1,328 of 1,507,332 alleles (0.088%); highest among the groups gnomAD compares: Non-Finnish European, 0.11%; 1 homozygote.

Submissions (14):

CeGaT Center for Human Genetics Tuebingen
Classification: Likely benign. Last evaluated: 2026-09-01. Review status: criteria provided, single submitter. Criteria: CeGaT Center For Human Genetics Tuebingen Variant Classification Criteria Version 2. Collection method: clinical testing. Allele origin: germline. Affected: yes. Observed: 3 variant alleles.
Comment: COL6A2: BS1

PreventionGenetics, part of Exact Sciences
Classification: Uncertain significance for COL6A2-related condition. Last evaluated: 2026-07-13. Review status: criteria provided, single submitter. Criteria: ACMG Guidelines, 2015. Collection method: clinical testing. Allele origin: germline.
Comment: The COL6A2 c.1336G>A variant is predicted to result in the amino acid substitution p.Asp446Asn. This variant was previously reported in an individual with limb-girdle muscular dystrophy with prominent scapular atrophy (Punetha et al. 2016. PubMed ID: 27854218), and observed in a large cohort of individuals with clinically suspected limb-girdle muscular dystrophy (Patient IDs N15, N24 in Table S7, Nallamilli et al. 2018. PubMed ID: 30564623). However, it has also been documented in a control subject (Ackermann et al. 2012. PubMed ID: 23040494). This variant is reported in 0.077% of alleles in individuals of European (Finnish) descent in gnomAD, an allele frequency that is likely too high for a pathogenic variant in COL6A2. This variant has conflicting interpretations of benign, likely benign, and uncertain significance in ClinVar. Although we suspect that this variant may be benign, at this time, the clinical significance of this variant is uncertain due to the absence of conclusive functional and genetic evidence.

Women's Health and Genetics/Laboratory Corporation of America, LabCorp
Classification: Uncertain significance. Last evaluated: 2026-05-05. Review status: criteria provided, single submitter. Criteria: LabCorp Variant Classification Summary - May 2015. Collection method: clinical testing. Allele origin: germline.
Comment: Variant summary: COL6A2 c.1336G>A (p.Asp446Asn) results in a conservative amino acid change in the encoded protein sequence. Algorithms developed to predict the effect of missense changes on protein structure and function are either unavailable or do not agree on the potential impact of this missense change. The variant allele was found at a frequency of 0.00042 in 107528 control chromosomes. This frequency is not significantly higher than estimated for disease-causing variants in COL6A2, allowing no conclusion about variant significance. c.1336G>A has been observed in individuals affected with limb-girdle muscular dystrophy and hypermobile Ehlers-Danlos syndrome without strong evidence for causality (Punetha_2016, Nallamilli_2018, Vandersteen_2024). These report(s) do not provide unequivocal conclusions about association of the variant with Ullrich congenital muscular dystrophy 1-AR. To our knowledge, no experimental evidence demonstrating an impact on protein function has been reported. The following publications have been ascertained in the context of this evaluation (PMID: 30564623, 27854218, 37813462). ClinVar contains an entry for this variant (Variation ID: 194621). Based on the evidence outlined above, the variant was classified as uncertain significance.

Labcorp Genetics (formerly Invitae), Labcorp
Classification: Likely benign for Bethlem myopathy 1A. Last evaluated: 2026-01-26. Review status: criteria provided, single submitter. Criteria: Invitae Variant Classification Sherloc (09022015). Collection method: clinical testing. Allele origin: germline.

Revvity Omics, Revvity
Classification: Likely benign. Last evaluated: 2025-03-17. Review status: criteria provided, single submitter. Criteria: ACMG Guidelines, 2015. Collection method: clinical testing. Allele origin: germline.

GeneDx
Classification: Uncertain significance. Last evaluated: 2024-12-08. Review status: criteria provided, single submitter. Criteria: GeneDx Variant Classification Process June 2021. Collection method: clinical testing. Allele origin: germline. Affected: yes.
Comment: Reported previously as a variant of uncertain clinical significance in multiple individuals with limb-girdle muscular dystrophy in published literature (PMID: 27854218, 30564623); In silico analysis indicates that this missense variant does not alter protein structure/function; This variant is associated with the following publications: (PMID: 30564623, 23040494, 27854218, 31127727)

Blueprint Genetics
Classification: Uncertain significance. Last evaluated: 2024-11-25. Review status: criteria provided, single submitter. Criteria: ACMG Guidelines, 2015. Collection method: clinical testing. Allele origin: germline.

Pittsburgh Clinical Genomics Laboratory, University of Pittsburgh Medical Center
Classification: Uncertain significance for Ullrich congenital muscular dystrophy 1A. Last evaluated: 2023-02-16. Review status: criteria provided, single submitter. Criteria: ACMG Guidelines, 2015. Collection method: clinical testing. Allele origin: germline. Inheritance: Autosomal unknown. Affected: yes.
Comment: This sequence variant is a single nucleotide substitution (G>A) at coding position 1336 of the COL6A2 gene that results in an aspartic acid to asparagine amino acid change at residue 446 of the COL6A2 protein. The Asp446 residue falls in the triple helical domain which plays a critical role in the proper assembly of collagen VI (PMID: 20301676). This is a previously reported variant (ClinVar) that has been reported in a study of individuals affected by a myopathy (PMID:27854218). This variant is present in 60 of 138,852 (0.04%) alleles in the gnomAD population database. Multiple bioinformatic tools predict that this aspartic acid to asparagine amino acid change would be damaging, and the aspartic acid residue is highly conserved at this position across the vertebrate species examined. Studies examining the functiol consequence of this variant have not been published, to our knowledge. At this time, there is insufficient evidence to determine if this variant is pathogenic or benign. Therefore, we consider this a variant of uncertain significance. ACMG Criteria: PP3

Illumina Laboratory Services, Illumina
Classification: Benign for Collagen VI-related myopathy. Last evaluated: 2018-01-13. Review status: criteria provided, single submitter. Criteria: ICSL Variant Classification Criteria 13 December 2019. Collection method: clinical testing. Allele origin: germline.
Comment: This variant was observed in the ICSL laboratory as part of a predisposition screen in an ostensibly healthy population. It had not been previously curated by ICSL or reported in the Human Gene Mutation Database (HGMD: prior to June 1st, 2018), and was therefore a candidate for classification through an automated scoring system. Utilizing variant allele frequency, disease prevalence and penetrance estimates, and inheritance mode, an automated score was calculated to assess if this variant is too frequent to cause the disease. Based on the score and internal cut-off values, a variant classified as benign is not then subjected to further curation. The score for this variant resulted in a classification of benign for this disease.

Eurofins Ntd Llc (ga)
Classification: Likely benign. Last evaluated: 2016-12-25. Review status: criteria provided, single submitter. Criteria: EGL Classification Definitions 2015. Collection method: clinical testing. Allele origin: germline. Observed: 12 variant alleles, 12 heterozygotes.

Center for Genetic Medicine Research, Children's National Medical Center
Classification: Uncertain significance. Last evaluated: 2015-12-01. Review status: criteria provided, single submitter. Criteria: Punetha et al. (J Neuromuscul Dis. 2016). Collection method: research. Allele origin: unknown.

Ambry Genetics
Classification: Uncertain significance for Inborn genetic diseases. Last evaluated: 2015-03-06. Review status: criteria provided, single submitter. Criteria: Ambry exome assertion method (8-5-2015). Collection method: clinical testing. Allele origin: germline. Affected: yes. Observed: 1 variant allele.

Clinical Genetics, Academic Medical Center
Classification: Uncertain significance. Review status: no assertion criteria provided. Collection method: clinical testing. Allele origin: germline. Affected: yes. Study: VKGL Data-share Consensus. Not counted in ClinVar's aggregate classification.

Joint Genome Diagnostic Labs from Nijmegen and Maastricht, Radboudumc and MUMC+
Classification: Uncertain significance. Review status: no assertion criteria provided. Collection method: clinical testing. Allele origin: germline. Affected: yes. Study: VKGL Data-share Consensus. Not counted in ClinVar's aggregate classification.

Literature cited by the submitters: PubMed 30564623 (cited by Women's Health and Genetics/Laboratory Corporation of America, LabCorp); PubMed 27854218 (cited by Women's Health and Genetics/Laboratory Corporation of America, LabCorp and Pittsburgh Clinical Genomics Laboratory, University of Pittsburgh Medical Center); PubMed 37813462 (cited by Women's Health and Genetics/Laboratory Corporation of America, LabCorp); PubMed 20301676 (cited by Pittsburgh Clinical Genomics Laboratory, University of Pittsburgh Medical Center).